The following is an entry in ClinVar:

ClinVar aggregate classification (germline): Uncertain significance (1 of 4 stars; one submission).

Submission:

Labcorp Genetics (formerly Invitae), Labcorp
Classification: Uncertain significance. Last evaluated: 2024-10-17. Review status: criteria provided, single submitter. Criteria: Invitae Variant Classification Sherloc (09022015). Collection method: clinical testing. Allele origin: germline.
Comment: This sequence change replaces serine, which is neutral and polar, with isoleucine, which is neutral and non-polar, at codon 608 of the DNA2 protein (p.Ser608Ile). This variant is not present in population databases (gnomAD no frequency). This variant has not been reported in the literature in individuals affected with DNA2-related conditions. Experimental studies and prediction algorithms are not available or were not evaluated, and the functional significance of this variant is currently unknown. In summary, the available evidence is currently insufficient to determine the role of this variant in disease. Therefore, it has been classified as a Variant of Uncertain Significance.

NM_001080449.3(DNA2):c.1823G>T (p.Ser608Ile)

Gene: DNA2 (DNA replication helicase/nuclease 2; minus strand). Cytogenetic location: 10q21.3.
Variant type: single nucleotide variant.
Coding change: c.1823G>T on transcript NM_001080449.3 (MANE Select); coding-DNA position 1823, G replaced by T.
Protein change: p.Ser608Ile; replaces serine 608 with isoleucine.
Molecular consequence: missense variant. On other transcripts: non-coding transcript variant (1).
Genome position (GRCh38, 1-based): chr10:68,432,256, C>A on the plus strand (G>T on the coding strand, the complement: DNA2 is on the minus strand). VCF-style: chr10-68432256-C-A. GRCh37 (hg19) VCF-style: chr10-70192013-C-A.
Other names: short protein forms S608I.
Identifiers: ClinVar variation 3723119 (VCV003723119.2).